The following is an entry in ClinVar:

ClinVar aggregate classification (germline): Uncertain significance (1 of 4 stars; one submission).

Submission:

Labcorp Genetics (formerly Invitae), Labcorp
Classification: Uncertain significance. Last evaluated: 2022-01-03. Review status: criteria provided, single submitter. Criteria: Invitae Variant Classification Sherloc (09022015). Collection method: clinical testing. Allele origin: germline.
Comment: This variant is a gross deletion of the genomic region encompassing exon(s) 23-24 of the COL18A1 gene. This variant would be expected to be in-frame, preserving the integrity of the reading frame. This variant has not been reported in the literature in individuals affected with COL18A1-related conditions. Experimental studies and prediction algorithms are not available or were not evaluated, and the functional significance of this variant is currently unknown. In summary, the available evidence is currently insufficient to determine the role of this variant in disease. Therefore, it has been classified as a Variant of Uncertain Significance.

NC_000021.8:g.(?_46912429)_(46912647_?)del

Gene: COL18A1 (collagen type XVIII alpha 1 chain; plus strand). Cytogenetic location: 21q22.3.
Variant type: Deletion.
Identifiers: ClinVar variation 1347901 (VCV001347901.6).